The following is an entry in ClinVar:

NM_000518.4(HBB):c.271G>A (p.Glu91Lys)

Genes: HBB (hemoglobin subunit beta; minus strand), LOC106099062 (HBB recombination region; plus strand), LOC107133510 (origin of replication at HBB; plus strand). Cytogenetic location: 11p15.4.
Variant type: single nucleotide variant.
Coding change: c.271G>A on transcript NM_000518.4; coding-DNA position 271, G replaced by A.
Protein change: p.Glu91Lys; replaces glutamic acid 91 with lysine.
Molecular consequence: missense variant (on NM_000518.5).
Genome position (GRCh38, 1-based): chr11:5,226,621, C>T on the plus strand (G>A on the coding strand, the complement: HBB is on the minus strand). VCF-style: chr11-5226621-C-T. GRCh37 (hg19) VCF-style: chr11-5247851-C-T.
Other names: E90K; c.271G>A, p.Glu91Lys (NM_000518.5); short protein forms E91K.
Identifiers: ClinVar variation 15091 (VCV000015091.55), dbSNP rs33913712, ClinGen allele CA124716.

ClinVar aggregate classification (germline): Uncertain significance. Review status: criteria provided, multiple submitters, no conflicts (2 of 4 stars). 5 submissions from 5 submitters: Uncertain significance (3). 2 of the submissions do not count toward it. Last evaluated 2024-10-04.

Conditions:
beta Thalassemia (BTHAL). Also called: Cooley's anemia; Erythroblastic anemia; Mediterranean anemia. Identifiers: Orphanet 848, MedGen C0005283, MONDO:0019402. Disease mechanism: loss of function.
HEMOGLOBIN AGENOGI.

Allele frequency attached by ClinVar (database versions not stated): gnomAD exomes below 0.00001.
gnomAD v4.1: 1 of 1,614,128 alleles (0.000062%); highest among the groups gnomAD compares: South Asian, 0.0011%; no homozygotes.

Submissions (5):

Quest Diagnostics Nichols Institute San Juan Capistrano
Classification: Uncertain significance. Last evaluated: 2024-10-04. Review status: criteria provided, single submitter. Criteria: Quest Diagnostics criteria. Collection method: clinical testing. Allele origin: unknown.
Comment: The HBB c.271G>A (p.Glu91Lys) variant has been reported in multiple individuals of Japanese, Thai, Italian, Hungarian, African American, and Indian ancestry without clinical or hematological abnormalities in the published literature (PMIDs: 30489691 (2018), 26864977 (2016), 12144066 (2002), 7852091 (1994), 2079434 (1990), and 5972415 (1966)). However, in the compound heterozygous state, the variant has been reported in individuals with mild hemolytic anemia (PMIDs: 2079434 (1990) and 26960650 (2016)). Functional studies on this variant are inconclusive and have reported a slight decrease in oxygen affinity and heat stability, but no affects to heme-heme interaction, Bohr effect, or mechanical stability (PMIDs: 26864977 (2016), 7852091 (1994), and 2079434 (1990)). This variant has not been reported in large, multi-ethnic general populations (Genome Aggregation Database).This variant has not been reported in large, multi-ethnic general populations (Genome Aggregation Database). Based on the available information, we are unable to determine the clinical significance of this variant.

Women's Health and Genetics/Laboratory Corporation of America, LabCorp
Classification: Uncertain significance. Last evaluated: 2024-05-15. Review status: criteria provided, single submitter. Criteria: LabCorp Variant Classification Summary - May 2015. Collection method: clinical testing. Allele origin: germline.
Comment: Variant summary: HBB c.271G>A (p.Glu91Lys) results in a conservative amino acid change located in the Globin of the encoded protein sequence. Three of five in-silico tools predict a benign effect of the variant on protein function. The variant was absent in 251422 control chromosomes. The available data on variant occurrences in the general population are insufficient to allow any conclusion about variant significance. 271G>A has been reported in the literature in individuals without clear phenotype related to Hemoglobinopathy (examples: Paleari_1994, Panyasai_2016, Nadkarni_2018 , Yamane_2019, Luo_2004). These reports do not provide unequivocal conclusions about association of the variant with Hemoglobinopathy. The following publications have been ascertained in the context of this evaluation (PMID: 15543018, 7852091, 9785927, 31139532, 26864977, 30489691). ClinVar contains an entry for this variant (Variation ID: 15091). Based on the evidence outlined above, the variant was classified as uncertain significance.

ARUP Laboratories, Molecular Genetics and Genomics, ARUP Laboratories
Classification: Uncertain significance. Last evaluated: 2024-05-07. Review status: criteria provided, single submitter. Criteria: ARUP Molecular Germline Variant Investigation Process 2024. Collection method: clinical testing. Allele origin: germline.
Comment: The Hb Agenogi variant (HBB: c.271G>A; p.Glu91Lys, also known as Glu90Lys when numbered from the mature protein, rs33913712, HbVar ID: 424) has been reported in a heterozygous state in individuals with no clinical symptoms (HbVar database and reference therein). It was reported to result in slightly reduced oxygen affinity (Imai 1970). Two individuals carrying Hb Agenogi variant in trans with beta thalassemia trait were reported. One showed moderate hemolytic anemia with microcytosis, abnormal red cell morphology, and an elevated reticulocyte count (Corso 1990). And the other one exhibited moderate microcytic hypochromic anemia with mildly raised red blood cell count and mild splenomegaly (Sharm 2016). The variant is listed in ClinVar (Variation ID: 15091), and is absent from the Genome Aggregation Database (v2.1.1), indicating it is not a common polymorphism. Computational analyses are uncertain whether this variant is neutral or deleterious (REVEL: 0.647). Although Hb Agenogi has not been associated with severe hematological symptoms, it has been associated with mild hematological changes in combination with beta thalassemia trait; overall, its clinical significance cannot be determined with certainty. REFERENCES Corso D. et al. Hb Agenogi [beta 90(F6)Glu----Lys] and beta zero-thalassemia in a Sicilian family.Hemoglobin. 1990;14(5):549-53. PMID: 2079434. Imai K. et al. Studies on the function of abnormal hemoglobins. II. Oxygen equilibrium of abnormal hemoglobins: Shimonoseki, Ube II, Hikari, Gifu, and Agenogi. Biochim Biophys Acta. 1970;200(2):197-202. PMID: 5416123. Sharma S. et al. Hemoglobin Agenogi--A rare abnormal beta globin chain variant. Indian J Pathol Microbiol. 2016;59(1):99-101. PMID: 26960650.

Natera, Inc.
Classification: Uncertain significance for Beta thalassemia. Last evaluated: 2020-08-11. Review status: no assertion criteria provided. Collection method: clinical testing. Allele origin: germline. Not counted in ClinVar's aggregate classification.

OMIM
Classification: other for HEMOGLOBIN AGENOGI. Last evaluated: 2017-12-12. Review status: no assertion criteria provided. Collection method: literature only. Allele origin: germline. Not counted in ClinVar's aggregate classification.

Literature cited by the submitters: PubMed 5972415 (cited by Quest Diagnostics Nichols Institute San Juan Capistrano and OMIM); PubMed 2079434 (cited by Quest Diagnostics Nichols Institute San Juan Capistrano and OMIM); PubMed 7852091 (cited by Quest Diagnostics Nichols Institute San Juan Capistrano and Women's Health and Genetics/Laboratory Corporation of America, LabCorp); PubMed 26864977 (cited by Quest Diagnostics Nichols Institute San Juan Capistrano and Women's Health and Genetics/Laboratory Corporation of America, LabCorp); PubMed 19429541 (cited by Quest Diagnostics Nichols Institute San Juan Capistrano); PubMed 12144066 (cited by Quest Diagnostics Nichols Institute San Juan Capistrano and OMIM); PubMed 30489691 (cited by Quest Diagnostics Nichols Institute San Juan Capistrano and Women's Health and Genetics/Laboratory Corporation of America, LabCorp); PubMed 24200101 (cited by Quest Diagnostics Nichols Institute San Juan Capistrano); PubMed 31139532 (cited by Quest Diagnostics Nichols Institute San Juan Capistrano and Women's Health and Genetics/Laboratory Corporation of America, LabCorp); PubMed 27408413 (cited by Quest Diagnostics Nichols Institute San Juan Capistrano); PubMed 38504512 (cited by Quest Diagnostics Nichols Institute San Juan Capistrano); PubMed 26960650 (cited by Quest Diagnostics Nichols Institute San Juan Capistrano); PubMed 21423179 (cited by Quest Diagnostics Nichols Institute San Juan Capistrano); PubMed 15543018 (cited by Women's Health and Genetics/Laboratory Corporation of America, LabCorp); PubMed 9785927 (cited by Women's Health and Genetics/Laboratory Corporation of America, LabCorp).